The following is an entry in ClinVar:

NM_015295.3(SMCHD1):c.5142C>G (p.Asn1714Lys)

Gene: SMCHD1 (structural maintenance of chromosomes flexible hinge domain containing 1; plus strand). Cytogenetic location: 18p11.32.
Variant type: single nucleotide variant.
Coding change: c.5142C>G on transcript NM_015295.3 (MANE Select); coding-DNA position 5142, C replaced by G.
Protein change: p.Asn1714Lys; replaces asparagine 1714 with lysine.
Molecular consequence: missense variant.
Genome position (GRCh38, 1-based): chr18:2,772,339, C>G. VCF-style: chr18-2772339-C-G. GRCh37 (hg19) VCF-style: chr18-2772337-C-G.
Other names: short protein forms N1714K.
Identifiers: ClinVar variation 2498732 (VCV002498732.28), dbSNP rs1267922136, ClinGen allele CA401683671.

ClinVar aggregate classification (germline): Uncertain significance (1 of 4 stars; one submission).

Allele frequency attached by ClinVar (database versions not stated): TOPMed below 0.00001.

Submission:

CeGaT Center for Human Genetics Tuebingen
Classification: Uncertain significance. Last evaluated: 2023-01-01. Review status: criteria provided, single submitter. Criteria: CeGaT Center For Human Genetics Tuebingen Variant Classification Criteria Version 2. Collection method: clinical testing. Allele origin: germline. Affected: yes. Observed: 1 variant allele.
Comment: SMCHD1: PM2